The following is an entry in ClinVar:

NM_001375524.1(TRRAP):c.10753+6G>T

Gene: TRRAP (transformation/transcription domain associated protein; plus strand). Cytogenetic location: 7q22.1.
Variant type: single nucleotide variant.
Coding change: c.10753+6G>T on transcript NM_001375524.1 (MANE Select); 6 bases into the intron after coding-DNA position 10753, G replaced by T.
Molecular consequence: intron variant.
Genome position (GRCh38, 1-based): chr7:99,005,354, G>T. VCF-style: chr7-99005354-G-T. GRCh37 (hg19) VCF-style: chr7-98602977-G-T.
Other names: c.10711+6G>T (NM_001244580.2); c.10624+6G>T (NM_003496.4, NM_003496.3).
Identifiers: ClinVar variation 2020078 (VCV002020078.31), dbSNP rs140472126, ClinGen allele CA4361977.

ClinVar aggregate classification (germline): Likely benign. Review status: criteria provided, multiple submitters, no conflicts (2 of 4 stars). 4 submissions from 4 submitters: Likely benign (3). 1 of the submissions does not count toward it. Last evaluated 2026-01-05.

Conditions:
TRRAP-related disorder. Also called: TRRAP-related condition.

Allele frequency attached by ClinVar (database versions not stated): ExAC 0.00058; gnomAD 0.00060; TOPMed 0.00063; 1000 Genomes Project 30x 0.00094; 1000 Genomes Project 0.00100; ESP Exome Variant Server 0.00100; gnomAD exomes 0.00121.
gnomAD v4.1: 1,845 of 1,613,834 alleles (0.11%); highest among the groups gnomAD compares: Non-Finnish European, 0.15%; 1 homozygote.

Submissions (5):

Labcorp Genetics (formerly Invitae), Labcorp
Classification: Likely benign. Last evaluated: 2026-01-05. Review status: criteria provided, single submitter. Criteria: Invitae Variant Classification Sherloc (09022015). Collection method: clinical testing. Allele origin: germline.

Blueprint Genetics
Classification: Likely benign. Last evaluated: 2024-10-09. Review status: criteria provided, single submitter. Criteria: ACMG Guidelines, 2015. Collection method: clinical testing. Allele origin: germline.

CeGaT Center for Human Genetics Tuebingen
Classification: Likely benign. Last evaluated: 2024-05-01. Review status: criteria provided, single submitter. Criteria: CeGaT Center For Human Genetics Tuebingen Variant Classification Criteria Version 2. Collection method: clinical testing. Allele origin: germline. Affected: yes. Observed: 4 variant alleles.
Comment: TRRAP: BP4, BS1

PreventionGenetics, part of Exact Sciences
Classification: Likely benign for TRRAP-related condition. Last evaluated: 2020-05-05. Review status: no assertion criteria provided. Collection method: clinical testing. Allele origin: germline. Not counted in ClinVar's aggregate classification.
Comment: This variant is classified as likely benign based on ACMG/AMP sequence variant interpretation guidelines (Richards et al. 2015 PMID: 25741868, with internal and published modifications).

Dr. Peter K. Rogan Lab, Western University
No classification provided (evidence only). Condition: Acute myeloid leukemia. Review status: no classification provided. Collection method: in vitro. Allele origin: not applicable. Functional consequence: retained intron. Not counted in ClinVar's aggregate classification.